The following is an entry in ClinVar:

NM_201384.3(PLEC):c.4015G>A (p.Glu1339Lys)

Gene: PLEC (plectin; minus strand). Cytogenetic location: 8q24.3.
Variant type: single nucleotide variant.
Coding change: c.4015G>A on transcript NM_201384.3 (MANE Select); coding-DNA position 4015, G replaced by A.
Protein change: p.Glu1339Lys; replaces glutamic acid 1339 with lysine.
Molecular consequence: missense variant.
Genome position (GRCh38, 1-based): chr8:143,926,813, C>T on the plus strand (G>A on the coding strand, the complement: PLEC is on the minus strand). VCF-style: chr8-143926813-C-T. GRCh37 (hg19) VCF-style: chr8-145000981-C-T.
Other names: c.4096G>A, p.Glu1366Lys (NM_000445.5); c.3973G>A, p.Glu1325Lys (NM_201378.4); c.3949G>A, p.Glu1317Lys (NM_201379.3); c.4426G>A, p.Glu1476Lys (NM_201380.4); c.3919G>A, p.Glu1307Lys (NM_201381.3); c.4015G>A, p.Glu1339Lys (NM_201382.4); c.4027G>A, p.Glu1343Lys (NM_201383.3); c.4096G>A (NM_000445.3); short protein forms E1307K, E1317K, E1325K, E1339K, E1343K, E1366K, E1476K.
Identifiers: ClinVar variation 1057219 (VCV001057219.7), dbSNP rs781823105, ClinGen allele CA4926809.

ClinVar aggregate classification (germline): Uncertain significance. Review status: criteria provided, multiple submitters, no conflicts (2 of 4 stars). 3 submissions from 3 submitters: Uncertain significance (3). Last evaluated 2026-01-16.

Conditions:
Epidermolysis bullosa simplex 5C, with pyloric atresia (EBS5C). Also called: PLEC-Related Epidermolysis Bullosa with Pyloric Atresia; Epidermolysis bullosa simplex with pyloric atresia; PLEC1-Related Epidermolysis Bullosa with Pyloric Atresia. Identifiers: Orphanet 158684, MedGen C2677349, MONDO:0012807, OMIM 612138.
Autosomal recessive limb-girdle muscular dystrophy type 2Q (LGMDR17). Also called: MUSCULAR DYSTROPHY, LIMB-GIRDLE, AUTOSOMAL RECESSIVE 17. Identifiers: Orphanet 254361, MedGen C3150989, MONDO:0013390, OMIM 613723.
Epidermolysis bullosa simplex with nail dystrophy (EBS5D). Identifiers: MedGen C4225309, MONDO:0014661, OMIM 616487.
Epidermolysis bullosa simplex, Ogna type (EBS5A). Also called: Pidermolysis bullosa simplex 5A, Ogna type; EPIDERMOLYSIS BULLOSA SIMPLEX 5A, OGNA TYPE. Identifiers: Orphanet 79401, MedGen C0432317, MONDO:0007555, OMIM 131950.
Epidermolysis bullosa simplex 5B, with muscular dystrophy (EBS5B). Also called: EPIDERMOLYSIS BULLOSA SIMPLEX AND LIMB-GIRDLE MUSCULAR DYSTROPHY; Epidermolysis bullosa simplex with muscular dystrophy. Identifiers: Orphanet 257, MedGen C2931072, MONDO:0009181, OMIM 226670.
Inborn genetic diseases. Identifiers: MedGen C0950123, MeSH D030342.

Allele frequency attached by ClinVar (database versions not stated): ExAC 0.00001; gnomAD 0.00001; gnomAD exomes 0.00002 and 0.00003; TOPMed 0.00002.
gnomAD v4.1: 18 of 1,613,776 alleles (0.0011%); highest among the groups gnomAD compares: African/African-American, 0.008%; no homozygotes.

Submissions (3):

Labcorp Genetics (formerly Invitae), Labcorp
Classification: Uncertain significance for Autosomal recessive limb-girdle muscular dystrophy type 2Q; Epidermolysis bullosa simplex, Ogna type; Epidermolysis bullosa simplex with nail dystrophy; Epidermolysis bullosa simplex 5C, with pyloric atresia; Epidermolysis bullosa simplex 5B, with muscular dystrophy. Last evaluated: 2026-01-16. Review status: criteria provided, single submitter. Criteria: Invitae Variant Classification Sherloc (09022015). Collection method: clinical testing. Allele origin: germline.
Comment: This sequence change replaces glutamic acid, which is acidic and polar, with lysine, which is basic and polar, at codon 1366 of the PLEC protein (p.Glu1366Lys). This variant is present in population databases (rs781823105, gnomAD 0.007%). This variant has not been reported in the literature in individuals affected with PLEC-related conditions. ClinVar contains an entry for this variant (Variation ID: 1057219). Invitae Evidence Modeling of protein sequence and biophysical properties (such as structural, functional, and spatial information, amino acid conservation, physicochemical variation, residue mobility, and thermodynamic stability) has been performed for this missense variant. However, the output from this modeling did not meet the statistical confidence thresholds required to predict the impact of this variant on PLEC protein function. In summary, the available evidence is currently insufficient to determine the role of this variant in disease. Therefore, it has been classified as a Variant of Uncertain Significance.

Ambry Genetics
Classification: Uncertain significance for Inborn genetic diseases. Last evaluated: 2024-06-22. Review status: criteria provided, single submitter. Criteria: Ambry Variant Classification Scheme 2023. Collection method: clinical testing. Allele origin: germline.

Blueprint Genetics
Classification: Uncertain significance. Last evaluated: 2022-11-18. Review status: criteria provided, single submitter. Criteria: ACMG Guidelines, 2015. Collection method: clinical testing. Allele origin: germline.